The following is an entry in ClinVar:

ClinVar aggregate classification (germline): Likely pathogenic (1 of 4 stars; one submission).

Conditions:
Dyskeratosis congenita, autosomal recessive 6 (DKCB6). Identifiers: MedGen C4225356, MONDO:0014600, OMIM 616353.
Pulmonary fibrosis and/or bone marrow failure, Telomere-related, 4. Also called: PULMONARY FIBROSIS AND/OR BONE MARROW FAILURE SYNDROME, TELOMERE-RELATED, 4. Identifiers: Orphanet 2032, MedGen C4225347, MONDO:0014612, OMIM 616371.

Submission:

Labcorp Genetics (formerly Invitae), Labcorp
Classification: Likely pathogenic for Dyskeratosis congenita, autosomal recessive 6; Pulmonary fibrosis and/or bone marrow failure, Telomere-related, 4. Last evaluated: 2022-10-04. Review status: criteria provided, single submitter. Criteria: Invitae Variant Classification Sherloc (09022015). Collection method: clinical testing. Allele origin: germline.
Comment: In summary, the currently available evidence indicates that the variant is pathogenic, but additional data are needed to prove that conclusively. Therefore, this variant has been classified as Likely Pathogenic. This variant has not been reported in the literature in individuals affected with PARN-related conditions. This variant results in a copy number gain of the genomic region encompassing exon(s) 6-21 of the PARN gene. While the exact position of this variant cannot be determined from the data, sub-genic copy number gains are generally in tandem (PMID: 25640679). This variant is predicted to be out-of-frame, and may result in an absent or disrupted protein product. Loss-of-function variants in PARN are known to be pathogenic (PMID: 9736620, 25848748, 26810774).

Literature cited by the submitters: PubMed 25640679; PubMed 9736620; PubMed 25848748; PubMed 26810774.

NC_000016.9:g.(?_14645868)_(14711517_?)dup

Gene: PARN (poly(A)-specific ribonuclease; minus strand). Cytogenetic location: 16p13.12.
Variant type: Duplication.
Identifiers: ClinVar variation 2424496 (VCV002424496.8).